The following is an entry in ClinVar:

ClinVar aggregate classification (germline): Uncertain significance. Review status: criteria provided, single submitter (1 of 4 stars). 2 submissions from 2 submitters: Uncertain significance (1). 1 of the submissions does not count toward it. Last evaluated 2020-10-06.

Conditions:
Leukodystrophy, hypomyelinating, 8, with or without oligodontia and/or hypogonadotropic hypogonadism. Also called: LEUKODYSTROPHY, HYPOMYELINATING, 8, WITH HYPODONTIA AND HYPOGONADOTROPIC HYPOGONADISM; Hypomyelinating leukodystrophy 8 with or without oligodontia and-or hypogonadotropic hypogonadism; Endosteal sclerosis-cerebellar hypoplasia syndrome. Identifiers: Orphanet 85186, Orphanet 88637, MedGen C3280644, MONDO:0013722, OMIM 614381.

Allele frequency attached by ClinVar (database versions not stated): gnomAD 0.00001; gnomAD exomes below 0.00001.
gnomAD v4.1: 2 of 1,612,726 alleles (0.00012%); highest among the groups gnomAD compares: Non-Finnish European, 0.00017%; no homozygotes.

Submissions (2):

Laboratorio de Genetica e Diagnostico Molecular, Hospital Israelita Albert Einstein
Classification: Uncertain significance. Last evaluated: 2020-10-06. Review status: criteria provided, single submitter. Criteria: ACMG Guidelines, 2015. Collection method: clinical testing. Allele origin: germline. Affected: yes.
Comment: ACMG classification criteria: PM2, PP3

GeneReviews
No classification provided. Condition: Leukodystrophy, hypomyelinating, 8, with or without oligodontia and/or hypogonadotropic hypogonadism. Review status: no classification provided. Collection method: literature only. Allele origin: germline. Not counted in ClinVar's aggregate classification.

Literature cited by the submitters: PubMed 25339210 (cited by GeneReviews); PubMed 22855961 (cited by GeneReviews).

NM_018082.6(POLR3B):c.1253C>T (p.Ala418Val)

Gene: POLR3B (RNA polymerase III subunit B; plus strand). Cytogenetic location: 12q23.3.
Variant type: single nucleotide variant.
Coding change: c.1253C>T on transcript NM_018082.6 (MANE Select); coding-DNA position 1253, C replaced by T.
Protein change: p.Ala418Val; replaces alanine 418 with valine.
Molecular consequence: missense variant.
Genome position (GRCh38, 1-based): chr12:106,427,348, C>T. VCF-style: chr12-106427348-C-T. GRCh37 (hg19) VCF-style: chr12-106821126-C-T.
Other names: c.1079C>T, p.Ala360Val (NM_001160708.2); short protein forms A360V, A418V.
Identifiers: ClinVar variation 1184084 (VCV001184084.4), dbSNP rs2037453602, ClinGen allele CA386388670.